The following is an entry in ClinVar:

NM_001286.5(CLCN6):c.512T>C (p.Val171Ala)

Gene: CLCN6 (chloride voltage-gated channel 6; plus strand). Cytogenetic location: 1p36.22.
Variant type: single nucleotide variant.
Coding change: c.512T>C on transcript NM_001286.5 (MANE Select); coding-DNA position 512, T replaced by C.
Protein change: p.Val171Ala; replaces valine 171 with alanine.
Molecular consequence: missense variant. On other transcripts: non-coding transcript variant (1).
Genome position (GRCh38, 1-based): chr1:11,823,765, T>C. VCF-style: chr1-11823765-T-C. GRCh37 (hg19) VCF-style: chr1-11883822-T-C.
Other names: c.446T>C, p.Val149Ala (NM_001256959.2); short protein forms V149A, V171A.
Identifiers: ClinVar variation 4698853 (VCV004698853.1).

ClinVar aggregate classification (germline): Uncertain significance (1 of 4 stars; one submission).

gnomAD v4.1: 1 of 1,614,262 alleles (0.000062%); highest among the groups gnomAD compares: Admixed American, 0.0017%; no homozygotes.

Submission:

Labcorp Genetics (formerly Invitae), Labcorp
Classification: Uncertain significance. Last evaluated: 2025-09-10. Review status: criteria provided, single submitter. Criteria: Invitae Variant Classification Sherloc (09022015). Collection method: clinical testing. Allele origin: germline.
Comment: This sequence change replaces valine, which is neutral and non-polar, with alanine, which is neutral and non-polar, at codon 171 of the CLCN6 protein (p.Val171Ala). This variant is present in population databases (no rsID available, gnomAD 0.003%). This variant has not been reported in the literature in individuals affected with CLCN6-related conditions. An algorithm developed to predict the effect of missense changes on protein structure and function (PolyPhen-2) suggests that this variant is likely to be tolerated. In summary, the available evidence is currently insufficient to determine the role of this variant in disease. Therefore, it has been classified as a Variant of Uncertain Significance.